The following is an entry in ClinVar:

ClinVar aggregate classification (germline): Likely benign. Review status: reviewed by expert panel (3 of 4 stars). 8 submissions from 8 submitters: Likely benign (1). 7 of the submissions do not count toward it. Last evaluated 2017-06-29.

Conditions:
Hereditary cancer-predisposing syndrome. Also called: Hereditary Cancer Syndrome; Hereditary neoplastic syndrome; Tumor predisposition; Neoplastic Syndromes, Hereditary. Identifiers: Orphanet 140162, MedGen C0027672, MeSH D009386, MONDO:0015356.
Hereditary breast ovarian cancer syndrome. Also called: Hereditary breast and ovarian cancer syndrome; Hereditary breast and ovarian cancer syndrome (HBOC); BRCA1- and BRCA2-Associated Hereditary Breast and Ovarian Cancer; Breast and ovarian cancer; Hereditary breast and ovarian cancer; Hereditary breast and/or ovarian cancer syndrome. Identifiers: Orphanet 145, MedGen C0677776, MeSH D061325, MONDO:0003582. Disease mechanism: loss of function.
Breast and/or ovarian cancer. Identifiers: MedGen CN221562.
Breast-ovarian cancer, familial, susceptibility to, 1 (BROVCA1). Also called: OVARIAN CANCER, SUSCEPTIBILITY TO; BRCA1 Hereditary Breast and Ovarian Cancer. Identifiers: Orphanet 145, MedGen C2676676, MONDO:0011450, OMIM 604370. Disease mechanism: loss of function.
BRCA1-related cancer predisposition. Identifiers: MedGen CN377757, MONDO:0700268.

Allele frequency attached by ClinVar (database versions not stated): TOPMed below 0.00001; gnomAD 0.00001; gnomAD exomes 0.00002.
gnomAD v4.1: 35 of 1,614,106 alleles (0.0022%); highest among the groups gnomAD compares: Non-Finnish European, 0.003%; no homozygotes.

Submissions (8):

Evidence-based Network for the Interpretation of Germline Mutant Alleles (ENIGMA)
Classification: Likely benign for Breast-ovarian cancer, familial, susceptibility to, 1. Last evaluated: 2017-06-29. Review status: reviewed by expert panel. Criteria: ENIGMA BRCA1/2 Classification Criteria (2017-06-29). Collection method: curation. Allele origin: germline.
Comment: Synonymous substitution variant, with low bioinformatic likelihood to result in a splicing aberration (Splicing prior probability 0.02).

Labcorp Genetics (formerly Invitae), Labcorp
Classification: Likely benign for Hereditary breast ovarian cancer syndrome. Last evaluated: 2026-01-08. Review status: criteria provided, single submitter. Criteria: Invitae Variant Classification Sherloc (09022015). Collection method: clinical testing. Allele origin: germline. Not counted in ClinVar's aggregate classification.

All of Us Research Program, National Institutes of Health
Classification: Likely benign for BRCA1-related cancer predisposition. Last evaluated: 2024-04-17. Review status: criteria provided, single submitter. Criteria: ACMG Guidelines, 2015. Collection method: clinical testing. Allele origin: germline. Inheritance: Autosomal dominant inheritance. Observed: 1 variant allele, 1 heterozygote. Not counted in ClinVar's aggregate classification.
Comment: This study involves interpretation of variants in research participants for the purpose of population health screening. Participant phenotype was not available at the time of variant classification. Additional details can be found in publication PMID: 35346344, PMCID: PMC8962531

CHEO Genetics Diagnostic Laboratory, Children's Hospital of Eastern Ontario
Classification: Likely benign for Breast and/or ovarian cancer. Last evaluated: 2022-11-21. Review status: criteria provided, single submitter. Criteria: ACMG Guidelines, 2015. Collection method: clinical testing. Allele origin: germline. Not counted in ClinVar's aggregate classification.

Women's Health and Genetics/Laboratory Corporation of America, LabCorp
Classification: Likely benign. Last evaluated: 2022-09-04. Review status: criteria provided, single submitter. Criteria: LabCorp Variant Classification Summary - May 2015. Collection method: clinical testing. Allele origin: germline. Not counted in ClinVar's aggregate classification.

Quest Diagnostics Nichols Institute San Juan Capistrano
Classification: Likely benign. Last evaluated: 2018-06-23. Review status: criteria provided, single submitter. Criteria: Quest Diagnostics criteria. Collection method: clinical testing. Allele origin: germline. Not counted in ClinVar's aggregate classification.

Color Diagnostics, LLC DBA Color Health
Classification: Likely benign for Hereditary cancer-predisposing syndrome. Last evaluated: 2017-11-09. Review status: criteria provided, single submitter. Criteria: ACMG Guidelines, 2015. Collection method: clinical testing. Allele origin: germline. Not counted in ClinVar's aggregate classification.

Ambry Genetics
Classification: Likely benign for Hereditary cancer-predisposing syndrome. Last evaluated: 2016-03-14. Review status: criteria provided, single submitter. Criteria: Ambry Variant Classification Scheme 2023. Collection method: clinical testing. Allele origin: germline. Not counted in ClinVar's aggregate classification.

Literature cited by the submitters: PubMed 16267036 (cited by Women's Health and Genetics/Laboratory Corporation of America, LabCorp).

NM_007294.4(BRCA1):c.4710C>T (p.Leu1570=)

Gene: BRCA1 (BRCA1 DNA repair associated; minus strand). Cytogenetic location: 17q21.31.
Variant type: single nucleotide variant.
Coding change: c.4710C>T on transcript NM_007294.4 (MANE Select); coding-DNA position 4710, C replaced by T.
Protein change: p.Leu1570=; no amino-acid change (leucine 1570 retained).
Molecular consequence: synonymous variant. On other transcripts: intron variant (1).
Genome position (GRCh38, 1-based): chr17:43,071,204, G>A on the plus strand (C>T on the coding strand, the complement: BRCA1 is on the minus strand). VCF-style: chr17-43071204-G-A. GRCh37 (hg19) VCF-style: chr17-41223221-G-A.
Other names: c.4626C>T, p.Leu1542= (NM_001407660.1, NM_001407661.1, NM_001407662.1 and 2 more transcripts); c.4587C>T, p.Leu1529= (NM_001407664.1, NM_001407665.1, NM_001407666.1 and 6 more transcripts); c.4584C>T, p.Leu1528= (NM_001407670.1, NM_001407671.1, NM_001407672.1 and 11 more transcripts); c.4581C>T, p.Leu1527= (NM_001407681.1, NM_001407682.1, NM_001407683.1 and 6 more transcripts); c.4710C>T, p.Leu1570= (NM_001407684.1, NM_001407854.1, NM_001407593.1 and 8 more transcripts); c.4578C>T, p.Leu1526= (NM_001407690.1, NM_001407691.1); c.4569C>T, p.Leu1523= (NM_001407692.1, NM_001407694.1, NM_001407695.1 and 13 more transcripts); c.4566C>T, p.Leu1522= (NM_001407732.1, NM_001407733.1, NM_001407734.1 and 21 more transcripts); and 71 more.
Identifiers: ClinVar variation 184980 (VCV000184980.25), dbSNP rs786201839, ClinGen allele CA002989.